The following is an entry in ClinVar:

NM_000059.4(BRCA2):c.4019A>G (p.Asp1340Gly)

Gene: BRCA2 (BRCA2 DNA repair associated; plus strand). Cytogenetic location: 13q13.1.
Variant type: single nucleotide variant.
Coding change: c.4019A>G on transcript NM_000059.4 (MANE Select); coding-DNA position 4019, A replaced by G.
Protein change: p.Asp1340Gly; replaces aspartic acid 1340 with glycine.
Molecular consequence: missense variant. On other transcripts: non-coding transcript variant (1), intron variant (2).
Genome position (GRCh38, 1-based): chr13:32,338,374, A>G. VCF-style: chr13-32338374-A-G. GRCh37 (hg19) VCF-style: chr13-32912511-A-G.
Other names: NP_000050.3:p.Asp1340Gly; c.4019A>G, p.Asp1340Gly (NM_001406719.1, NM_001406720.1, NM_001432077.1); c.1909+4987A>G (NM_001406721.1); c.425-6184A>G (NM_001406722.1); short protein forms D1340G.
Identifiers: ClinVar variation 1325688 (VCV001325688.4), dbSNP rs1555283506, ClinGen allele CA387779038.

ClinVar aggregate classification (germline): Uncertain significance. Review status: criteria provided, multiple submitters, no conflicts (2 of 4 stars). 2 submissions from 2 submitters: Uncertain significance (2). Last evaluated 2023-08-03.

Conditions:
Hereditary breast ovarian cancer syndrome. Also called: Hereditary breast and ovarian cancer syndrome; Hereditary breast and ovarian cancer; Hereditary breast and ovarian cancer syndrome (HBOC); BRCA1- and BRCA2-Associated Hereditary Breast and Ovarian Cancer; Hereditary breast and/or ovarian cancer syndrome; Breast and ovarian cancer. Identifiers: Orphanet 145, MedGen C0677776, MeSH D061325, MONDO:0003582. Disease mechanism: loss of function.

Submissions (2):

Labcorp Genetics (formerly Invitae), Labcorp
Classification: Uncertain significance for Hereditary breast ovarian cancer syndrome. Last evaluated: 2023-08-03. Review status: criteria provided, single submitter. Criteria: Invitae Variant Classification Sherloc (09022015). Collection method: clinical testing. Allele origin: germline.
Comment: This sequence change replaces aspartic acid, which is acidic and polar, with glycine, which is neutral and non-polar, at codon 1340 of the BRCA2 protein (p.Asp1340Gly). This variant is not present in population databases (gnomAD no frequency). This variant has not been reported in the literature in individuals affected with BRCA2-related conditions. ClinVar contains an entry for this variant (Variation ID: 1325688). In summary, the available evidence is currently insufficient to determine the role of this variant in disease. Therefore, it has been classified as a Variant of Uncertain Significance. Advanced modeling of protein sequence and biophysical properties (such as structural, functional, and spatial information, amino acid conservation, physicochemical variation, residue mobility, and thermodynamic stability) performed at Invitae indicates that this missense variant is not expected to disrupt BRCA2 protein function.

National Health Laboratory Service, Universitas Academic Hospital and University of the Free State
Classification: Uncertain significance for Hereditary breast ovarian cancer syndrome. Last evaluated: 2021-11-16. Review status: criteria provided, single submitter. Criteria: ACMG Guidelines, 2015. Collection method: clinical testing. Allele origin: germline. Affected: yes. Observed: 1 variant allele.

Literature cited by the submitters: DOI 10.3389/fgene.2022.834265 (cited by National Health Laboratory Service, Universitas Academic Hospital and University of the Free State).